The following is an entry in ClinVar:

NM_176824.3(BBS7):c.1663G>T (p.Glu555Ter)

Gene: BBS7 (Bardet-Biedl syndrome 7; minus strand). Cytogenetic location: 4q27.
Variant type: single nucleotide variant.
Coding change: c.1663G>T on transcript NM_176824.3 (MANE Select); coding-DNA position 1663, G replaced by T.
Protein change: p.Glu555Ter; replaces glutamic acid 555 with a stop codon.
Molecular consequence: nonsense.
Genome position (GRCh38, 1-based): chr4:121,833,244, C>A on the plus strand (G>T on the coding strand, the complement: BBS7 is on the minus strand). VCF-style: chr4-121833244-C-A. GRCh37 (hg19) VCF-style: chr4-122754399-C-A.
Other names: c.1663G>T, p.Glu555Ter (NM_018190.4); short protein forms E555*.
Identifiers: ClinVar variation 1074079 (VCV001074079.5), dbSNP rs2149054103, ClinGen allele CA358057075.

ClinVar aggregate classification (germline): Pathogenic (1 of 4 stars; one submission).

Conditions:
Bardet-Biedl syndrome (BBS). Identifiers: Orphanet 110, MedGen C0752166, MONDO:0015229.

Submission:

Labcorp Genetics (formerly Invitae), Labcorp
Classification: Pathogenic for Bardet-Biedl syndrome. Last evaluated: 2023-12-04. Review status: criteria provided, single submitter. Criteria: Invitae Variant Classification Sherloc (09022015). Collection method: clinical testing. Allele origin: germline.
Comment: This sequence change creates a premature translational stop signal (p.Glu555*) in the BBS7 gene. It is expected to result in an absent or disrupted protein product. Loss-of-function variants in BBS7 are known to be pathogenic (PMID: 12567324, 19402160, 21209035, 31196119). This variant is not present in population databases (gnomAD no frequency). This variant has not been reported in the literature in individuals affected with BBS7-related conditions. ClinVar contains an entry for this variant (Variation ID: 1074079). For these reasons, this variant has been classified as Pathogenic.

Literature cited by the submitters: PubMed 12567324; PubMed 19402160; PubMed 21209035; PubMed 31196119.